The following is an entry in ClinVar:

NM_019112.4(ABCA7):c.1684G>A (p.Val562Met)

Gene: ABCA7 (ATP binding cassette subfamily A member 7; plus strand). Cytogenetic location: 19p13.3.
Variant type: single nucleotide variant.
Coding change: c.1684G>A on transcript NM_019112.4 (MANE Select); coding-DNA position 1684, G replaced by A.
Protein change: p.Val562Met; replaces valine 562 with methionine.
Molecular consequence: missense variant.
Genome position (GRCh38, 1-based): chr19:1,046,863, G>A. VCF-style: chr19-1046863-G-A. GRCh37 (hg19) VCF-style: chr19-1046862-G-A.
Other names: short protein forms V562M.
Identifiers: ClinVar variation 2466425 (VCV002466425.3), dbSNP rs748191742, ClinGen allele CA402951121.

ClinVar aggregate classification (germline): Uncertain significance. Review status: criteria provided, multiple submitters, no conflicts (2 of 4 stars). 2 submissions from 2 submitters: Uncertain significance (2). Last evaluated 2025-10-29.

gnomAD v4.1: 10 of 1,544,784 alleles (0.00065%); highest among the groups gnomAD compares: South Asian, 0.0059%; no homozygotes.

Submissions (2):

Women's Health and Genetics/Laboratory Corporation of America, LabCorp
Classification: Uncertain significance. Last evaluated: 2025-10-29. Review status: criteria provided, single submitter. Criteria: LabCorp Variant Classification Summary - May 2015. Collection method: clinical testing. Allele origin: germline.
Comment: Variant summary: ABCA7 c.1684G>A (p.Val562Met) results in a conservative amino acid change in the encoded protein sequence. Algorithms developed to predict the effect of missense changes on protein structure and function are either unavailable or do not agree on the potential impact of this missense change. The variant allele was found at a frequency of 6.5e-06 in 154054 control chromosomes. The available data on variant occurrences in the general population are insufficient to allow any conclusion about variant significance. To our knowledge, no occurrence of c.1684G>A in individuals affected with ABCA7-related conditions and no experimental evidence demonstrating its impact on protein function have been reported. ClinVar contains an entry for this variant (Variation ID: 2466425). Based on the evidence outlined above, the variant was classified as uncertain significance.

Ambry Genetics
Classification: Uncertain significance. Last evaluated: 2023-02-27. Review status: criteria provided, single submitter. Criteria: Ambry Variant Classification Scheme 2023. Collection method: clinical testing. Allele origin: germline.